The following is an entry in ClinVar:

NM_001174147.2(LMX1B):c.559G>A (p.Val187Met)

Gene: LMX1B (LIM homeobox transcription factor 1 beta; plus strand). Cytogenetic location: 9q33.3.
Variant type: single nucleotide variant.
Coding change: c.559G>A on transcript NM_001174147.2 (MANE Select); coding-DNA position 559, G replaced by A.
Protein change: p.Val187Met; replaces valine 187 with methionine.
Molecular consequence: missense variant.
Genome position (GRCh38, 1-based): chr9:126,691,068, G>A. VCF-style: chr9-126691068-G-A. GRCh37 (hg19) VCF-style: chr9-129453347-G-A.
Other names: c.559G>A, p.Val187Met (NM_001174146.2, NM_002316.4); short protein forms V187M.
Identifiers: ClinVar variation 1495112 (VCV001495112.9), dbSNP rs765969991, ClinGen allele CA5242343.

ClinVar aggregate classification (germline): Uncertain significance. Review status: criteria provided, multiple submitters, no conflicts (2 of 4 stars). 2 submissions from 2 submitters: Uncertain significance (2). Last evaluated 2024-05-26.

Conditions:
Nail-patella syndrome (NPS). Also called: FONG DISEASE; ONYCHOOSTEODYSPLASIA; TURNER-KIESER SYNDROME. Identifiers: Orphanet 2614, MedGen C0027341, MONDO:0008061, OMIM 161200.
Nail-patella-like renal disease. Also called: GLOMERULAR BASEMENT MEMBRANE DISEASE, NAIL-PATELLA SYNDROME TYPE; Focal Segmental Glomerulosclerosis 10. Identifiers: Orphanet 2613, MedGen C0403548, MONDO:0009724, OMIM 256020.

Allele frequency attached by ClinVar (database versions not stated): gnomAD exomes 0.00001; TOPMed 0.00001.

Submissions (2):

Labcorp Genetics (formerly Invitae), Labcorp
Classification: Uncertain significance. Last evaluated: 2024-05-26. Review status: criteria provided, single submitter. Criteria: Invitae Variant Classification Sherloc (09022015). Collection method: clinical testing. Allele origin: germline.
Comment: This sequence change replaces valine, which is neutral and non-polar, with methionine, which is neutral and non-polar, at codon 187 of the LMX1B protein (p.Val187Met). This variant also falls at the last nucleotide of exon 3, which is part of the consensus splice site for this exon. The frequency data for this variant in the population databases is considered unreliable, as metrics indicate poor data quality at this position in the gnomAD database. This missense change has been observed in individual(s) with congenital vertical talus (PMID: 35487415). ClinVar contains an entry for this variant (Variation ID: 1495112). An algorithm developed to predict the effect of missense changes on protein structure and function (PolyPhen-2) suggests that this variant is likely to be disruptive. Variants that disrupt the consensus splice site are a relatively common cause of aberrant splicing (PMID: 17576681, 9536098). Algorithms developed to predict the effect of sequence changes on RNA splicing suggest that this variant may disrupt the consensus splice site. In summary, the available evidence is currently insufficient to determine the role of this variant in disease. Therefore, it has been classified as a Variant of Uncertain Significance.

Fulgent Genetics
Classification: Uncertain significance for Nail-patella syndrome; Nail-patella-like renal disease. Last evaluated: 2021-11-27. Review status: criteria provided, single submitter. Criteria: ACMG Guidelines, 2015. Collection method: clinical testing. Allele origin: unknown.

Literature cited by the submitters: PubMed 35487415 (cited by Labcorp Genetics (formerly Invitae), Labcorp); PubMed 17576681 (cited by Labcorp Genetics (formerly Invitae), Labcorp); PubMed 9536098 (cited by Labcorp Genetics (formerly Invitae), Labcorp).